The following is an entry in ClinVar:

NM_004618.5(TOP3A):c.243T>C (p.Asn81=)

Gene: TOP3A (DNA topoisomerase III alpha; minus strand). Cytogenetic location: 17p11.2.
Variant type: single nucleotide variant.
Coding change: c.243T>C on transcript NM_004618.5 (MANE Select); coding-DNA position 243, T replaced by C.
Protein change: p.Asn81=; no amino-acid change (asparagine 81 retained).
Molecular consequence: synonymous variant. On other transcripts: intron variant (1).
Genome position (GRCh38, 1-based): chr17:18,308,422, A>G on the plus strand (T>C on the coding strand, the complement: TOP3A is on the minus strand). VCF-style: chr17-18308422-A-G. GRCh37 (hg19) VCF-style: chr17-18211736-A-G.
Other names: c.29+460T>C (NM_001320759.2).
Identifiers: ClinVar variation 2161759 (VCV002161759.28), dbSNP rs142516535, ClinGen allele CA8430302.

ClinVar aggregate classification (germline): Likely benign. Review status: criteria provided, multiple submitters, no conflicts (2 of 4 stars). 2 submissions from 2 submitters: Likely benign (2). Last evaluated 2025-10-02.

Allele frequency attached by ClinVar (database versions not stated): gnomAD exomes 0.00009; gnomAD 0.00011; TOPMed 0.00011; ExAC 0.00021; ESP Exome Variant Server 0.00046.
gnomAD v4.1: 152 of 1,588,604 alleles (0.0096%); highest among the groups gnomAD compares: Non-Finnish European, 0.012%; no homozygotes.

Submissions (2):

Labcorp Genetics (formerly Invitae), Labcorp
Classification: Likely benign. Last evaluated: 2025-10-02. Review status: criteria provided, single submitter. Criteria: Invitae Variant Classification Sherloc (09022015). Collection method: clinical testing. Allele origin: germline.

CeGaT Center for Human Genetics Tuebingen
Classification: Likely benign. Last evaluated: 2022-09-01. Review status: criteria provided, single submitter. Criteria: CeGaT Center For Human Genetics Tuebingen Variant Classification Criteria Version 2. Collection method: clinical testing. Allele origin: germline. Affected: yes. Observed: 1 variant allele.
Comment: TOP3A: BP4, BP7